The following is an entry in ClinVar:

NM_138420.4(AHNAK2):c.5452G>A (p.Ala1818Thr)

Gene: AHNAK2 (AHNAK nucleoprotein 2; minus strand). Cytogenetic location: 14q32.33.
Variant type: single nucleotide variant.
Coding change: c.5452G>A on transcript NM_138420.4 (MANE Select); coding-DNA position 5452, G replaced by A.
Protein change: p.Ala1818Thr; replaces alanine 1818 with threonine.
Molecular consequence: missense variant.
Genome position (GRCh38, 1-based): chr14:104,949,999, C>T on the plus strand (G>A on the coding strand, the complement: AHNAK2 is on the minus strand). VCF-style: chr14-104949999-C-T. GRCh37 (hg19) VCF-style: chr14-105416336-C-T.
Other names: c.5152G>A, p.Ala1718Thr (NM_001350929.2); c.5452G>A (NM_138420.2); short protein forms A1718T, A1818T.
Identifiers: ClinVar variation 2644795 (VCV002644795.25), dbSNP rs201579933, ClinGen allele CA7381741.

ClinVar aggregate classification (germline): Benign/Likely benign. Review status: criteria provided, multiple submitters, no conflicts (2 of 4 stars). 2 submissions from 2 submitters: Benign (1); Likely benign (1). Last evaluated 2025-08-03.

Allele frequency attached by ClinVar (database versions not stated): gnomAD exomes 0.00009; ExAC 0.00023; 1000 Genomes Project 30x 0.00141; 1000 Genomes Project 0.00300.

Submissions (2):

Ambry Genetics
Classification: Likely benign. Last evaluated: 2025-08-03. Review status: criteria provided, single submitter. Criteria: Ambry Variant Classification Scheme 2023. Collection method: clinical testing. Allele origin: germline.

CeGaT Center for Human Genetics Tuebingen
Classification: Benign. Last evaluated: 2022-03-01. Review status: criteria provided, single submitter. Criteria: CeGaT Center For Human Genetics Tuebingen Variant Classification Criteria Version 2. Collection method: clinical testing. Allele origin: germline. Affected: yes. Observed: 1 variant allele.
Comment: AHNAK2: BS1, BS2